The following is an entry in ClinVar:

NM_018417.6(ADCY10):c.4424A>G (p.Gln1475Arg)

Gene: ADCY10 (adenylate cyclase 10; minus strand). Cytogenetic location: 1q24.2.
Variant type: single nucleotide variant.
Coding change: c.4424A>G on transcript NM_018417.6 (MANE Select); coding-DNA position 4424, A replaced by G.
Protein change: p.Gln1475Arg; replaces glutamine 1475 with arginine.
Molecular consequence: missense variant.
Genome position (GRCh38, 1-based): chr1:167,818,130, T>C on the plus strand (A>G on the coding strand, the complement: ADCY10 is on the minus strand). VCF-style: chr1-167818130-T-C. GRCh37 (hg19) VCF-style: chr1-167787368-T-C.
Other names: c.4424A>G (NM_018417.4); c.3965A>G, p.Gln1322Arg (NM_001167749.3); c.4148A>G, p.Gln1383Arg (NM_001297772.2); short protein forms Q1475R, Q1322R, Q1383R.
Identifiers: ClinVar variation 943548 (VCV000943548.9), dbSNP rs199702241, ClinGen allele CA1227032.

ClinVar aggregate classification (germline): Uncertain significance. Review status: criteria provided, multiple submitters, no conflicts (2 of 4 stars). 3 submissions from 3 submitters: Uncertain significance (3). Last evaluated 2025-02-18.

Conditions:
Familial idiopathic hypercalciuria (HCA2). Also called: Hypercalciuria, absorptive, 2; Hypercalciuria, absorptive, susceptibility to. Identifiers: MedGen C0342639, MONDO:0007748, OMIM 143870.

Allele frequency attached by ClinVar (database versions not stated): ESP Exome Variant Server 0.00015; gnomAD exomes 0.00015; ExAC 0.00016; gnomAD 0.00019 and 0.00030; TOPMed 0.00029.

Submissions (3):

Labcorp Genetics (formerly Invitae), Labcorp
Classification: Uncertain significance. Last evaluated: 2025-02-18. Review status: criteria provided, single submitter. Criteria: Invitae Variant Classification Sherloc (09022015). Collection method: clinical testing. Allele origin: germline.
Comment: This sequence change replaces glutamine, which is neutral and polar, with arginine, which is basic and polar, at codon 1475 of the ADCY10 protein (p.Gln1475Arg). This variant is present in population databases (rs199702241, gnomAD 0.03%). This variant has not been reported in the literature in individuals affected with ADCY10-related conditions. ClinVar contains an entry for this variant (Variation ID: 943548). An algorithm developed to predict the effect of missense changes on protein structure and function (PolyPhen-2) suggests that this variant is likely to be tolerated. In summary, the available evidence is currently insufficient to determine the role of this variant in disease. Therefore, it has been classified as a Variant of Uncertain Significance.

Ambry Genetics
Classification: Uncertain significance. Last evaluated: 2025-02-01. Review status: criteria provided, single submitter. Criteria: Ambry Variant Classification Scheme 2023. Collection method: clinical testing. Allele origin: germline.

Fulgent Genetics
Classification: Uncertain significance for Familial idiopathic hypercalciuria. Last evaluated: 2021-08-10. Review status: criteria provided, single submitter. Criteria: ACMG Guidelines, 2015. Collection method: clinical testing. Allele origin: unknown.